The following is an entry in ClinVar:

ClinVar aggregate classification (germline): Likely benign (1 of 4 stars; one submission).

Allele frequency attached by ClinVar (database versions not stated): 1000 Genomes Project 30x 0.00187; 1000 Genomes Project 0.00220; TOPMed 0.00245; gnomAD 0.00263; ExAC 0.00273; ESP Exome Variant Server 0.00292; gnomAD exomes 0.00350.
gnomAD v4.1: 5,557 of 1,614,042 alleles (0.34%); highest among the groups gnomAD compares: Non-Finnish European, 0.4%; 14 homozygotes.

Submission:

CeGaT Center for Human Genetics Tuebingen
Classification: Likely benign. Last evaluated: 2023-03-01. Review status: criteria provided, single submitter. Criteria: CeGaT Center For Human Genetics Tuebingen Variant Classification Criteria Version 2. Collection method: clinical testing. Allele origin: germline. Affected: yes. Observed: 1 variant allele.
Comment: ABCA10: BP4, BP7, BS2

NM_001377321.1(ABCA10):c.3987C>T (p.Leu1329=)

Gene: ABCA10 (ATP binding cassette subfamily A member 10; minus strand). Cytogenetic location: 17q24.3.
Variant type: single nucleotide variant.
Coding change: c.3987C>T on transcript NM_001377321.1 (MANE Select); coding-DNA position 3987, C replaced by T.
Protein change: p.Leu1329=; no amino-acid change (leucine 1329 retained).
Molecular consequence: synonymous variant.
Genome position (GRCh38, 1-based): chr17:69,153,525, G>A on the plus strand (C>T on the coding strand, the complement: ABCA10 is on the minus strand). VCF-style: chr17-69153525-G-A. GRCh37 (hg19) VCF-style: chr17-67149666-G-A.
Other names: c.3987C>T, p.Leu1329= (NM_080282.4).
Identifiers: ClinVar variation 2648167 (VCV002648167.24), dbSNP rs146959347, ClinGen allele CA8735177.